The following is an entry in ClinVar:

NM_001999.4(FBN2):c.2252A>C (p.Glu751Ala)

Gene: FBN2 (fibrillin 2; minus strand). Cytogenetic location: 5q23.3.
Variant type: single nucleotide variant.
Coding change: c.2252A>C on transcript NM_001999.4 (MANE Select); coding-DNA position 2252, A replaced by C.
Protein change: p.Glu751Ala; replaces glutamic acid 751 with alanine.
Molecular consequence: missense variant.
Genome position (GRCh38, 1-based): chr5:128,366,427, T>G on the plus strand (A>C on the coding strand, the complement: FBN2 is on the minus strand). VCF-style: chr5-128366427-T-G. GRCh37 (hg19) VCF-style: chr5-127702120-T-G.
Other names: short protein forms E751A.
Identifiers: ClinVar variation 380412 (VCV000380412.23), dbSNP rs147610681, ClinGen allele CA3395597.

ClinVar aggregate classification (germline): Conflicting classifications of pathogenicity. Review status: criteria provided, conflicting classifications (1 of 4 stars). 8 submissions from 8 submitters: Uncertain significance (4); Benign (1); Likely benign (3). Last evaluated 2026-05-30.

Conditions:
Macular degeneration, early-onset (EOMD). Identifiers: MedGen C4015286, MONDO:0014501, OMIM 616118.
Congenital contractural arachnodactyly (CCA). Also called: Arthrogryposis, distal, type 9; BEALS SYNDROME; Beals-Hecht syndrome. Identifiers: Orphanet 115, MedGen C0220668, MONDO:0007363, OMIM 121050.
Ehlers-Danlos syndrome (EDS). Identifiers: Orphanet 98249, MedGen C0013720, MONDO:0020066.
Familial thoracic aortic aneurysm and aortic dissection (TAAD). Also called: Thoracic aortic aneurysms and dissections. Identifiers: Orphanet 91387, MedGen C4707243, MONDO:0019625.

Allele frequency attached by ClinVar (database versions not stated): gnomAD exomes 0.00006 and 0.00013; ExAC 0.00007; TOPMed 0.00008; gnomAD 0.00011 and 0.00013; ESP Exome Variant Server 0.00031.
gnomAD v4.1: 195 of 1,601,290 alleles (0.012%); highest among the groups gnomAD compares: Non-Finnish European, 0.016%; no homozygotes.

Submissions (8):

Women's Health and Genetics/Laboratory Corporation of America, LabCorp
Classification: Likely benign. Last evaluated: 2026-05-30. Review status: criteria provided, single submitter. Criteria: LabCorp Variant Classification Summary - May 2015. Collection method: clinical testing. Allele origin: germline.
Comment: Variant summary: FBN2 c.2252A>C (p.Glu751Ala) results in a non-conservative amino acid change located in the TB domain (IPR017878) of the encoded protein sequence. Five of five in-silico tools predict a damaging effect of the variant on protein function. The variant allele was found at a frequency of 6e-05 in 249248 control chromosomes. The observed variant frequency is approximately 48 fold of the estimated maximal expected allele frequency for a pathogenic variant in FBN2 causing Aortopathy phenotype (1.3e-06). c.2252A>C has been reported in the literature in an individual affected with autism (example: Li_2017). This report does not provide unequivocal conclusions about association of the variant with Aortopathy. To our knowledge, no experimental evidence demonstrating an impact on protein function has been reported. The following publication has been ascertained in the context of this evaluation (PMID: 28831199). ClinVar contains an entry for this variant (Variation ID: 380412). Based on the evidence outlined above, the variant was classified as likely benign.

Labcorp Genetics (formerly Invitae), Labcorp
Classification: Likely benign for Congenital contractural arachnodactyly. Last evaluated: 2026-01-21. Review status: criteria provided, single submitter. Criteria: Invitae Variant Classification Sherloc (09022015). Collection method: clinical testing. Allele origin: germline.

Ambry Genetics
Classification: Uncertain significance for Familial thoracic aortic aneurysm and aortic dissection. Last evaluated: 2025-01-09. Review status: criteria provided, single submitter. Criteria: Ambry Variant Classification Scheme 2023. Collection method: clinical testing. Allele origin: germline.
Comment: The p.E751A variant (also known as c.2252A>C), located in coding exon 17 of the FBN2 gene, results from an A to C substitution at nucleotide position 2252. The glutamic acid at codon 751 is replaced by alanine, an amino acid with dissimilar properties. This variant has been detected in an individual from an autism spectrum cohort (Li J et al. Mol Psychiatry, 2017 09;22:1282-1290). This amino acid position is highly conserved in available vertebrate species. In addition, this alteration is predicted to be deleterious by in silico analysis. Since supporting evidence is limited at this time, the clinical significance of this alteration remains unclear.

Blueprint Genetics
Classification: Likely benign. Last evaluated: 2024-10-28. Review status: criteria provided, single submitter. Criteria: ACMG Guidelines, 2015. Collection method: clinical testing. Allele origin: germline.

GeneDx
Classification: Uncertain significance. Last evaluated: 2024-10-28. Review status: criteria provided, single submitter. Criteria: GeneDx Variant Classification Process June 2021. Collection method: clinical testing. Allele origin: germline. Affected: yes.
Comment: Not reported in association with an FBN2-related phenotype; In silico analysis supports that this missense variant has a deleterious effect on protein structure/function; Occurs in exon 17, whereas the vast majority of pathogenic variants in the FBN2 gene reported to date in association with congenital contractural arachnodactyly occur within exons 24-33 (PMID: 17935213); This variant is associated with the following publications: (PMID: 28831199, 17935213)

Genome Diagnostics Laboratory, The Hospital for Sick Children
Classification: Benign for Ehlers-Danlos syndrome. Last evaluated: 2020-06-01. Review status: criteria provided, single submitter. Criteria: ACMG Guidelines, 2015. Collection method: clinical testing. Allele origin: germline.

Fulgent Genetics
Classification: Uncertain significance for Congenital contractural arachnodactyly; Macular degeneration, early-onset. Last evaluated: 2018-10-31. Review status: criteria provided, single submitter. Criteria: ACMG Guidelines, 2015. Collection method: clinical testing. Allele origin: unknown.

Illumina Laboratory Services, Illumina
Classification: Uncertain significance for Congenital contractural arachnodactyly. Last evaluated: 2017-04-27. Review status: criteria provided, single submitter. Criteria: ICSL Variant Classification Criteria 13 December 2019. Collection method: clinical testing. Allele origin: germline.

Literature cited by the submitters: PubMed 28831199 (cited by Women's Health and Genetics/Laboratory Corporation of America, LabCorp and Ambry Genetics).